The following is an entry in ClinVar:

ClinVar aggregate classification (germline): Uncertain significance. Review status: criteria provided, multiple submitters, no conflicts (2 of 4 stars). 2 submissions from 2 submitters: Uncertain significance (2). Last evaluated 2025-08-08.

Conditions:
Immunodeficiency-centromeric instability-facial anomalies syndrome 2 (ICF2). Identifiers: Orphanet 2268, MedGen C3279748, MONDO:0013553, OMIM 614069.
Inborn genetic diseases. Identifiers: MedGen C0950123, MeSH D030342.

Allele frequency attached by ClinVar (database versions not stated): gnomAD 0.00001; TOPMed 0.00001.

Submissions (2):

Ambry Genetics
Classification: Uncertain significance for Inborn genetic diseases. Last evaluated: 2025-08-08. Review status: criteria provided, single submitter. Criteria: Ambry Variant Classification Scheme 2023. Collection method: clinical testing. Allele origin: germline.

Labcorp Genetics (formerly Invitae), Labcorp
Classification: Uncertain significance for Immunodeficiency-centromeric instability-facial anomalies syndrome 2. Last evaluated: 2023-12-07. Review status: criteria provided, single submitter. Criteria: Invitae Variant Classification Sherloc (09022015). Collection method: clinical testing. Allele origin: germline.
Comment: This sequence change replaces valine, which is neutral and non-polar, with leucine, which is neutral and non-polar, at codon 533 of the ZBTB24 protein (p.Val533Leu). This variant is present in population databases (no rsID available, gnomAD 0.003%). This variant has not been reported in the literature in individuals affected with ZBTB24-related conditions. ClinVar contains an entry for this variant (Variation ID: 574658). An algorithm developed to predict the effect of missense changes on protein structure and function (PolyPhen-2) suggests that this variant¬†is likely to be tolerated. In summary, the available evidence is currently insufficient to determine the role of this variant in disease. Therefore, it has been classified as a Variant of Uncertain Significance.

NM_014797.3(ZBTB24):c.1597G>C (p.Val533Leu)

Gene: ZBTB24 (zinc finger and BTB domain containing 24; minus strand). Cytogenetic location: 6q21.
Variant type: single nucleotide variant.
Coding change: c.1597G>C on transcript NM_014797.3 (MANE Select); coding-DNA position 1597, G replaced by C.
Protein change: p.Val533Leu; replaces valine 533 with leucine.
Molecular consequence: missense variant.
Genome position (GRCh38, 1-based): chr6:109,466,348, C>G on the plus strand (G>C on the coding strand, the complement: ZBTB24 is on the minus strand). VCF-style: chr6-109466348-C-G. GRCh37 (hg19) VCF-style: chr6-109787551-C-G.
Other names: short protein forms V533L.
Identifiers: ClinVar variation 574658 (VCV000574658.9), dbSNP rs779741867, ClinGen allele CA365196083.
Genomic context (GRCh38, chr6:109,466,348, plus strand): 5'-GAATTTCCTGCTCTCCCGAGGTAGAGAGTTGATATGGCTGTAGCTGAAGAATATTCCTGA[C>G]CTCTTCTGTATTACTACTGCCAGAAATGCTGCTGGCATCTGAAGCATGCTTCTCCTTGCT-3'
Protein context (NP_055612.2, residues 523-543): SISGSSNTEE[Val533Leu]RNILQLQPYQ